The following is an entry in ClinVar:

NM_005560.6(LAMA5):c.9867C>T (p.Ser3289=)

Gene: LAMA5 (laminin subunit alpha 5; minus strand). Cytogenetic location: 20q13.33.
Variant type: single nucleotide variant.
Coding change: c.9867C>T on transcript NM_005560.6 (MANE Select); coding-DNA position 9867, C replaced by T.
Protein change: p.Ser3289=; no amino-acid change (serine 3289 retained).
Molecular consequence: synonymous variant.
Genome position (GRCh38, 1-based): chr20:62,311,476, G>A on the plus strand (C>T on the coding strand, the complement: LAMA5 is on the minus strand). VCF-style: chr20-62311476-G-A. GRCh37 (hg19) VCF-style: chr20-60886532-G-A.
Identifiers: ClinVar variation 1928901 (VCV001928901.3), dbSNP rs748873490, ClinGen allele CA9940019.

ClinVar aggregate classification (germline): Uncertain significance (1 of 4 stars; one submission).

Allele frequency attached by ClinVar (database versions not stated): ExAC 0.00001; gnomAD exomes 0.00001.
gnomAD v4.1: 5 of 1,609,974 alleles (0.00031%); highest among the groups gnomAD compares: Admixed American, 0.0084%; no homozygotes.

Submission:

Labcorp Genetics (formerly Invitae), Labcorp
Classification: Uncertain significance. Last evaluated: 2022-06-05. Review status: criteria provided, single submitter. Criteria: Invitae Variant Classification Sherloc (09022015). Collection method: clinical testing. Allele origin: germline.
Comment: This sequence change affects codon 3289 of the LAMA5 mRNA. It is a 'silent' change, meaning that it does not change the encoded amino acid sequence of the LAMA5 protein. This variant is present in population databases (rs748873490, gnomAD 0.009%). This variant has not been reported in the literature in individuals affected with LAMA5-related conditions. Algorithms developed to predict the effect of sequence changes on RNA splicing suggest that this variant may disrupt the consensus splice site. In summary, the available evidence is currently insufficient to determine the role of this variant in disease. Therefore, it has been classified as a Variant of Uncertain Significance.